The following is an entry in ClinVar:

NM_022902.5(SLC30A5):c.1981_1982del (p.His661fs)

Gene: SLC30A5 (solute carrier family 30 member 5; plus strand). Cytogenetic location: 5q13.2.
Variant type: Deletion.
Coding change: c.1981_1982del on transcript NM_022902.5 (MANE Select); coding-DNA positions 1981 to 1982, 2 bases deleted (CA; older notation c.1981_1982delCA).
Protein change: p.His661fs; shifts the reading frame from histidine 661.
Molecular consequence: frameshift variant.
Genome position (GRCh38, 1-based): chr5:69,123,408-69,123,409, CA deleted; deleting any 2 consecutive bases within chr5:69,123,407-69,123,409 gives the same sequence; the c. name uses the placement nearest the transcript's 3' end. VCF-style (leftmost placement, unchanged base first): chr5-69123406-TAC-T. GRCh37 (hg19) VCF-style: chr5-68419233-TAC-T.
Other names: short protein forms H661fs.
Identifiers: ClinVar variation 988899 (VCV000988899.2), dbSNP rs1746589361, ClinGen allele CA1139658874.

ClinVar aggregate classification (germline): Likely pathogenic (1 of 4 stars; one submission).

Conditions:
Hydrops fetalis. Identifiers: Orphanet 1041, MedGen C0020305, MONDO:0015193, HP:0001789.
Hypertrophic cardiomyopathy. Also called: HYPERTROPHIC MYOCARDIOPATHY. Identifiers: Orphanet 217569, MedGen C0007194, MeSH D002312, MONDO:0005045, HP:0001639.
Noncompaction cardiomyopathy. Identifiers: MedGen C1839832, HP:0012817.
Concentric hypertrophic cardiomyopathy. Identifiers: MedGen C0238044, HP:0005157.

Submission:

Institute of Human Genetics, University of Leipzig Medical Center
Classification: Likely pathogenic for Hypertrophic cardiomyopathy; Hydrops fetalis; Concentric hypertrophic cardiomyopathy; Noncompaction cardiomyopathy. Last evaluated: 2020-07-02. Review status: criteria provided, single submitter. Criteria: ACMG Guidelines, 2015. Collection method: research. Allele origin: inherited. Affected: yes.
Comment: Variant found homozygous

Literature cited by the submitters: PubMed 33547425.